The following is an entry in ClinVar:

NC_000004.11:g.(?_108852800)_(108866781_?)del

Gene: CYP2U1 (cytochrome P450 family 2 subfamily U member 1; plus strand). Cytogenetic location: 4q25.
Variant type: Deletion.
Identifiers: ClinVar variation 2427619 (VCV002427619.3).

ClinVar aggregate classification (germline): Pathogenic (1 of 4 stars; one submission).

Conditions:
Spastic paraplegia. Identifiers: MedGen C0037772, HP:0001258.

Submission:

Labcorp Genetics (formerly Invitae), Labcorp
Classification: Pathogenic for Spastic paraplegia. Last evaluated: 2021-12-18. Review status: criteria provided, single submitter. Criteria: Invitae Variant Classification Sherloc (09022015). Collection method: clinical testing. Allele origin: germline.
Comment: For these reasons, this variant has been classified as Pathogenic. This variant has not been reported in the literature in individuals affected with CYP2U1-related conditions. This variant is a gross deletion of the genomic region encompassing exon(s) 1-2 of the CYP2U1 gene, which includes the initiator codon. This deletion extends beyond the assayed region for this gene and therefore may encompass additional genes. It is expected to result in an absent or disrupted protein product. Loss-of-function variants in CYP2U1 are known to be pathogenic (PMID: 23176821, 26936192, 27292318).

Literature cited by the submitters: PubMed 23176821; PubMed 26936192; PubMed 27292318.